The following is an entry in ClinVar:

NM_003640.5(ELP1):c.3281G>A (p.Arg1094Lys)

Gene: ELP1 (elongator acetyltransferase complex subunit 1; minus strand). Cytogenetic location: 9q31.3.
Variant type: single nucleotide variant.
Coding change: c.3281G>A on transcript NM_003640.5 (MANE Select); coding-DNA position 3281, G replaced by A.
Protein change: p.Arg1094Lys; replaces arginine 1094 with lysine.
Molecular consequence: missense variant.
Genome position (GRCh38, 1-based): chr9:108,882,129, C>T on the plus strand (G>A on the coding strand, the complement: ELP1 is on the minus strand). VCF-style: chr9-108882129-C-T. GRCh37 (hg19) VCF-style: chr9-111644409-C-T.
Other names: c.3281G>A (NM_003640.4); c.2939G>A, p.Arg980Lys (NM_001318360.2); c.2234G>A, p.Arg745Lys (NM_001330749.2); short protein forms R1094K, R745K, R980K.
Identifiers: ClinVar variation 964976 (VCV000964976.10), dbSNP rs200941360, ClinGen allele CA5174359.

ClinVar aggregate classification (germline): Uncertain significance. Review status: criteria provided, multiple submitters, no conflicts (2 of 4 stars). 5 submissions from 5 submitters: Uncertain significance (4). 1 of the submissions does not count toward it. Last evaluated 2026-03-05.

Conditions:
ELP1-related disorder. Also called: ELP1-related condition.
Familial dysautonomia. Also called: FD; HSAN III. Identifiers: Orphanet 1764, MedGen C0013364, MONDO:0009131, OMIM 223900. Disease mechanism: loss of function.
Medulloblastoma (MDB). Also called: Medulloblastoma, somatic; MEDULLOBLASTOMA PREDISPOSITION SYNDROME. Identifiers: Orphanet 616, MedGen C0025149, MeSH D008527, MONDO:0007959, OMIM 155255, HP:0002885.

Allele frequency attached by ClinVar (database versions not stated): ExAC 0.00003; gnomAD 0.00003 and 0.00004; TOPMed 0.00003; gnomAD exomes 0.00004 and 0.00008; ESP Exome Variant Server 0.00008; 1000 Genomes Project 30x 0.00016; 1000 Genomes Project 0.00020.
gnomAD v4.1: 124 of 1,613,462 alleles (0.0077%); highest among the groups gnomAD compares: Non-Finnish European, 0.0097%; no homozygotes.

Submissions (5):

PreventionGenetics, part of Exact Sciences
Classification: Uncertain significance for ELP1-related condition. Last evaluated: 2026-03-05. Review status: criteria provided, single submitter. Criteria: ACMG Guidelines, 2015. Collection method: clinical testing. Allele origin: germline.
Comment: The ELP1 c.3281G>A variant is predicted to result in the amino acid substitution p.Arg1094Lys. To our knowledge, this variant has not been reported in the literature. This variant has been seen in the heterozygous state in 10 individuals (0.0078%) of European (non-Finnish) descent in gnomad v2. However, in gnomAD v4 (available only on GRCh38), this variant is reported in 115 alleles from individuals (0.0097%) of European (non-Finnish) descent. This population data is not consistent with this variant being a primary cause of autosomal dominant disease. At this time, the clinical significance of this variant is uncertain due to the absence of conclusive functional and genetic evidence.

Labcorp Genetics (formerly Invitae), Labcorp
Classification: Uncertain significance. Last evaluated: 2024-12-02. Review status: criteria provided, single submitter. Criteria: Invitae Variant Classification Sherloc (09022015). Collection method: clinical testing. Allele origin: germline.
Comment: This sequence change replaces arginine, which is basic and polar, with lysine, which is basic and polar, at codon 1094 of the ELP1 protein (p.Arg1094Lys). This variant is present in population databases (rs200941360, gnomAD 0.009%). This variant has not been reported in the literature in individuals affected with ELP1-related conditions. ClinVar contains an entry for this variant (Variation ID: 964976). Invitae Evidence Modeling of protein sequence and biophysical properties (such as structural, functional, and spatial information, amino acid conservation, physicochemical variation, residue mobility, and thermodynamic stability) indicates that this missense variant is expected to disrupt ELP1 protein function with a positive predictive value of 80%. In summary, the available evidence is currently insufficient to determine the role of this variant in disease. Therefore, it has been classified as a Variant of Uncertain Significance.

Fulgent Genetics
Classification: Uncertain significance for Medulloblastoma; Familial dysautonomia. Last evaluated: 2024-03-02. Review status: criteria provided, single submitter. Criteria: ACMG Guidelines, 2015. Collection method: clinical testing. Allele origin: germline.

Ambry Genetics
Classification: Uncertain significance. Last evaluated: 2022-12-25. Review status: criteria provided, single submitter. Criteria: Ambry Variant Classification Scheme 2023. Collection method: clinical testing. Allele origin: germline.
Comment: The p.R1094K variant (also known as c.3281G>A), located in coding exon 29 of the IKBKAP gene, results from a G to A substitution at nucleotide position 3281. The arginine at codon 1094 is replaced by lysine, an amino acid with highly similar properties. This amino acid position is conserved. In addition, the in silico prediction for this alteration is inconclusive. Since supporting evidence is limited at this time, the clinical significance of this alteration remains unclear.

Natera, Inc.
Classification: Uncertain significance for Familial dysautonomia. Last evaluated: 2020-08-21. Review status: no assertion criteria provided. Collection method: clinical testing. Allele origin: germline. Not counted in ClinVar's aggregate classification.